The following is an entry in ClinVar:

ClinVar aggregate classification (germline): Uncertain significance (1 of 4 stars; one submission).

gnomAD v4.1: 7 of 1,614,136 alleles (0.00043%); highest among the groups gnomAD compares: Non-Finnish European, 0.00059%; no homozygotes.

Submission:

Labcorp Genetics (formerly Invitae), Labcorp
Classification: Uncertain significance. Last evaluated: 2022-09-06. Review status: criteria provided, single submitter. Criteria: Invitae Variant Classification Sherloc (09022015). Collection method: clinical testing. Allele origin: germline.
Comment: This sequence change replaces serine, which is neutral and polar, with cysteine, which is neutral and slightly polar, at codon 1149 of the IGSF10 protein (p.Ser1149Cys). This variant is present in population databases (no rsID available, gnomAD 0.0009%). This variant has not been reported in the literature in individuals affected with IGSF10-related conditions. Algorithms developed to predict the effect of missense changes on protein structure and function are either unavailable or do not agree on the potential impact of this missense change (SIFT: "Tolerated"; PolyPhen-2: "Possibly Damaging"; Align-GVGD: "Class C0"). In summary, the available evidence is currently insufficient to determine the role of this variant in disease. Therefore, it has been classified as a Variant of Uncertain Significance.

NM_178822.5(IGSF10):c.3446C>G (p.Ser1149Cys)

Gene: IGSF10 (immunoglobulin superfamily member 10; minus strand). Cytogenetic location: 3q25.1.
Variant type: single nucleotide variant.
Coding change: c.3446C>G on transcript NM_178822.5 (MANE Select); coding-DNA position 3446, C replaced by G.
Protein change: p.Ser1149Cys; replaces serine 1149 with cysteine.
Molecular consequence: missense variant.
Genome position (GRCh38, 1-based): chr3:151,446,535, G>C on the plus strand (C>G on the coding strand, the complement: IGSF10 is on the minus strand). VCF-style: chr3-151446535-G-C. GRCh37 (hg19) VCF-style: chr3-151164323-G-C.
Other names: c.3446C>G, p.Ser1149Cys (NM_001385060.1, NM_001385061.1, NM_001385062.1 and 1 more transcripts); short protein forms S1149C.
Identifiers: ClinVar variation 1951023 (VCV001951023.5), dbSNP rs997881807, ClinGen allele CA354998095.